The following is an entry in ClinVar:

ClinVar aggregate classification (germline): Benign. Review status: criteria provided, multiple submitters, no conflicts (2 of 4 stars). 6 submissions from 6 submitters: Benign (6). Last evaluated 2026-02-01.

Conditions:
Congenital stationary night blindness 1D. Also called: Night blindness, congenital stationary (complete), 1D, autosomal recessive. Identifiers: Orphanet 215, MedGen C3151193, MONDO:0013450, OMIM 613830.

Allele frequency attached by ClinVar (database versions not stated): gnomAD exomes 0.00746 and 0.00963; ExAC 0.01045; gnomAD 0.01175 and 0.01223; TOPMed 0.01247; ESP Exome Variant Server 0.01376; 1000 Genomes Project 30x 0.01624; 1000 Genomes Project 0.01677.
gnomAD v4.1: 12,838 of 1,612,910 alleles (0.8%); highest among the groups gnomAD compares: South Asian, 3.6%; 145 homozygotes.

Submissions (6):

Labcorp Genetics (formerly Invitae), Labcorp
Classification: Benign. Last evaluated: 2026-02-01. Review status: criteria provided, single submitter. Criteria: Invitae Variant Classification Sherloc (09022015). Collection method: clinical testing. Allele origin: germline.

CeGaT Center for Human Genetics Tuebingen
Classification: Benign. Last evaluated: 2025-11-01. Review status: criteria provided, single submitter. Criteria: CeGaT Center For Human Genetics Tuebingen Variant Classification Criteria Version 2. Collection method: clinical testing. Allele origin: germline. Affected: yes. Observed: 2 variant alleles.
Comment: SLC24A1: BP4, BS1, BS2

Illumina Laboratory Services, Illumina
Classification: Benign for Congenital stationary night blindness 1D. Last evaluated: 2018-03-06. Review status: criteria provided, single submitter. Criteria: ICSL Variant Classification Criteria 13 December 2019. Collection method: clinical testing. Allele origin: germline.
Comment: This variant was observed in the ICSL laboratory as part of a predisposition screen in an ostensibly healthy population. It had not been previously curated by ICSL or reported in the Human Gene Mutation Database (HGMD: prior to June 1st, 2018), and was therefore a candidate for classification through an automated scoring system. Utilizing variant allele frequency, disease prevalence and penetrance estimates, and inheritance mode, an automated score was calculated to assess if this variant is too frequent to cause the disease. Based on the score and internal cut-off values, a variant classified as benign is not then subjected to further curation. The score for this variant resulted in a classification of benign for this disease.

Eurofins Ntd Llc (ga)
Classification: Benign. Last evaluated: 2015-03-11. Review status: criteria provided, single submitter. Criteria: EGL Classification Definitions 2015. Collection method: clinical testing. Allele origin: germline. Observed: 1 variant allele, 1 heterozygote.

Breakthrough Genomics
Classification: Benign. Review status: criteria provided, single submitter. Criteria: ACMG Guidelines, 2015. Collection method: not provided. Allele origin: germline. Inheritance: Autosomal recessive inheritance. Affected: yes.

PreventionGenetics, part of Exact Sciences
Classification: Benign. Review status: criteria provided, single submitter. Criteria: ACMG Guidelines, 2015. Collection method: clinical testing. Allele origin: germline.

NM_004727.3(SLC24A1):c.931G>C (p.Val311Leu)

Gene: SLC24A1 (solute carrier family 24 member 1; plus strand). Cytogenetic location: 15q22.31.
Variant type: single nucleotide variant.
Coding change: c.931G>C on transcript NM_004727.3 (MANE Select); coding-DNA position 931, G replaced by C.
Protein change: p.Val311Leu; replaces valine 311 with leucine.
Molecular consequence: missense variant.
Genome position (GRCh38, 1-based): chr15:65,625,011, G>C. VCF-style: chr15-65625011-G-C. GRCh37 (hg19) VCF-style: chr15-65917349-G-C.
Other names: c.931G>C, p.Val311Leu (NM_001301031.1, NM_001301032.1, NM_001301033.2); short protein forms V311L.
Identifiers: ClinVar variation 195228 (VCV000195228.27), dbSNP rs34363823, ClinGen allele CA201632.